The following is an entry in ClinVar:

ClinVar aggregate classification (germline): Uncertain significance (1 of 4 stars; one submission).

Conditions:
Hereditary cancer-predisposing syndrome. Also called: Neoplastic Syndromes, Hereditary; Tumor predisposition; Hereditary neoplastic syndrome; Hereditary Cancer Syndrome. Identifiers: Orphanet 140162, MedGen C0027672, MeSH D009386, MONDO:0015356.

Submission:

Ambry Genetics
Classification: Uncertain significance for Hereditary cancer-predisposing syndrome. Last evaluated: 2026-07-07. Review status: criteria provided, single submitter. Criteria: Ambry Variant Classification Scheme 2023. Collection method: clinical testing. Allele origin: germline.
Comment: The p.I219T variant (also known as c.656T>C), located in coding exon 5 of the SUFU gene, results from a T to C substitution at nucleotide position 656. The isoleucine at codon 219 is replaced by threonine, an amino acid with similar properties. This amino acid position is conserved. In addition, this alteration is predicted to be deleterious by in silico analysis. Based on the available evidence, the clinical significance of this variant remains unclear.

NM_016169.4(SUFU):c.656T>C (p.Ile219Thr)

Gene: SUFU (SUFU negative regulator of hedgehog signaling; plus strand). Cytogenetic location: 10q24.32.
Variant type: single nucleotide variant.
Coding change: c.656T>C on transcript NM_016169.4 (MANE Select); coding-DNA position 656, T replaced by C.
Protein change: p.Ile219Thr; replaces isoleucine 219 with threonine.
Molecular consequence: missense variant.
Genome position (GRCh38, 1-based): chr10:102,593,694, T>C. VCF-style: chr10-102593694-T-C. GRCh37 (hg19) VCF-style: chr10-104353451-T-C.
Other names: c.656T>C, p.Ile219Thr (NM_001178133.2); short protein forms I219T.
Identifiers: ClinVar variation 5030405 (VCV005030405.1).
Genomic context (GRCh38, chr10:102,593,694, plus strand): 5'-AGATCGTTGGTGTCTGCACTGAAGAGCTACACTCAGCCCAGCAGTGGAACGGGCAGGGCA[T>C]CCTGGAGCTGCTGCGGACAGTGCCTATGTGAGTACCCATGCAAGGTGGGAGCGCGGCTCC-3'
Protein context (NP_057253.2, residues 209-229): HSAQQWNGQG[Ile219Thr]LELLRTVPIA